The following is an entry in ClinVar:

ClinVar aggregate classification (germline): Likely pathogenic (1 of 4 stars; one submission).

Conditions:
Usher syndrome type 1 (USH1). Also called: RETINITIS PIGMENTOSA AND CONGENITAL DEAFNESS. Identifiers: Orphanet 231169, Orphanet 886, MedGen C1568247, MONDO:0010168, OMIM 276900.

Submission:

Natera, Inc.
Classification: Likely pathogenic for Usher syndrome type 1. Last evaluated: 2026-01-19. Review status: criteria provided, single submitter. Criteria: Natera Variant Classification Schema (03/2026). Collection method: clinical testing. Allele origin: germline.
Comment: The c.427G>T variant in CDH23 is a nonsense variant predicted to introduce a stop codon at amino acid 143. This variant is expected to result in nonsense mediated decay, truncation, or a dysfunctional protein product. This variant is rare in the general population with a frequency below the threshold expected for the associated phenotype(s). Given the available evidence, this variant is classified as Likely Pathogenic.

NM_022124.6(CDH23):c.427G>T (p.Glu143Ter)

Genes: CDH23 (cadherin related 23; plus strand), CDH23-AS1 (CDH23 antisense RNA 1; minus strand). Cytogenetic location: 10q22.1.
Variant type: single nucleotide variant.
Coding change: c.427G>T on transcript NM_022124.6 (MANE Select); coding-DNA position 427, G replaced by T.
Protein change: p.Glu143Ter; replaces glutamic acid 143 with a stop codon.
Molecular consequence: nonsense.
Genome position (GRCh38, 1-based): chr10:71,511,210, G>T. VCF-style: chr10-71511210-G-T. GRCh37 (hg19) VCF-style: chr10-73270967-G-T.
Other names: c.427G>T, p.Glu143Ter (NM_001171930.2, NM_001171931.2, NM_001171932.2 and 1 more transcripts); short protein forms E143*.
Identifiers: ClinVar variation 4816080 (VCV004816080.1).
Genomic context (GRCh38, chr10:71,511,210, plus strand): 5'-GGGGATGTGAATGACAACGCGCCCACATTTCACAATCAGCCCTACAGCGTCCGCATCCCT[G>T]AGGTAGGAGCCACTGGGGTTACCCTTGAGGGTATCAGAGACCTGCTGCTCCCCAGACCAC-3'